The following is an entry in ClinVar:

NM_001127217.3(SMAD9):c.983C>T (p.Thr328Ile)

Gene: SMAD9 (SMAD family member 9; minus strand). Cytogenetic location: 13q13.3.
Variant type: single nucleotide variant.
Coding change: c.983C>T on transcript NM_001127217.3 (MANE Select); coding-DNA position 983, C replaced by T.
Protein change: p.Thr328Ile; replaces threonine 328 with isoleucine.
Molecular consequence: missense variant.
Genome position (GRCh38, 1-based): chr13:36,865,557, G>A on the plus strand (C>T on the coding strand, the complement: SMAD9 is on the minus strand). VCF-style: chr13-36865557-G-A. GRCh37 (hg19) VCF-style: chr13-37439694-G-A.
Other names: c.872C>T, p.Thr291Ile (NM_001378621.1, NM_005905.6); c.872C>T (NM_005905.5); short protein forms T291I, T328I.
Identifiers: ClinVar variation 1304389 (VCV001304389.3), dbSNP rs2138380209, ClinGen allele CA387869970.
Genomic context (GRCh38, chr13:36,865,557, plus strand): 5'-TTCGGCTAGATGACTAAAGGAATAACATCTTTGCTCTTACCCTTTCCTATATGTCTCCTG[G>A]TATTTTCTATCGTTGAGTTTCTGTTTACATTAGAAAGAAGTCCAAGACAGAATCTGTTCC-3'
Protein context (NP_001120689.1, residues 318-338): NVNRNSTIEN[Thr328Ile]RRHIGKGVHL

ClinVar aggregate classification (germline): Uncertain significance. Review status: criteria provided, multiple submitters, no conflicts (2 of 4 stars). 2 submissions from 2 submitters: Uncertain significance (2). Last evaluated 2024-10-11.

Conditions:
Inborn genetic diseases. Identifiers: MedGen C0950123, MeSH D030342.

Allele frequency attached by ClinVar (database versions not stated): gnomAD exomes below 0.00001.
gnomAD v4.1: 1 of 1,613,328 alleles (0.000062%); highest among the groups gnomAD compares: Non-Finnish European, 0.000085%; no homozygotes.

Submissions (2):

Ambry Genetics
Classification: Uncertain significance for Inborn genetic diseases. Last evaluated: 2024-10-11. Review status: criteria provided, single submitter. Criteria: Ambry Variant Classification Scheme 2023. Collection method: clinical testing. Allele origin: germline.

GeneDx
Classification: Uncertain significance. Last evaluated: 2019-12-06. Review status: criteria provided, single submitter. Criteria: GeneDx Variant Classification Process June 2021. Collection method: clinical testing. Allele origin: germline. Affected: yes.
Comment: Has not been previously published as pathogenic or benign to our knowledge; In silico analysis, which includes protein predictors and evolutionary conservation, supports a deleterious effect; Not observed in large population cohorts (Lek et al., 2016)